The following is an entry in ClinVar:

NM_000059.4(BRCA2):c.2968A>C (p.Met990Leu)

Gene: BRCA2 (BRCA2 DNA repair associated; plus strand). Cytogenetic location: 13q13.1.
Variant type: single nucleotide variant.
Coding change: c.2968A>C on transcript NM_000059.4 (MANE Select); coding-DNA position 2968, A replaced by C.
Protein change: p.Met990Leu; replaces methionine 990 with leucine.
Molecular consequence: missense variant.
Genome position (GRCh38, 1-based): chr13:32,337,323, A>C. VCF-style: chr13-32337323-A-C. GRCh37 (hg19) VCF-style: chr13-32911460-A-C.
Other names: c.2968A>C (NM_000059.3); short protein forms M990L.
Identifiers: ClinVar variation 1474914 (VCV001474914.10), dbSNP rs876660083, ClinGen allele CA387774509.

ClinVar aggregate classification (germline): Conflicting classifications of pathogenicity. Review status: criteria provided, conflicting classifications (1 of 4 stars). 3 submissions from 3 submitters: Uncertain significance (1); Likely benign (2). Last evaluated 2025-02-24.

Conditions:
Hereditary cancer-predisposing syndrome. Also called: Neoplastic Syndromes, Hereditary; Hereditary Cancer Syndrome; Tumor predisposition; Hereditary neoplastic syndrome. Identifiers: Orphanet 140162, MedGen C0027672, MeSH D009386, MONDO:0015356.
Hereditary breast ovarian cancer syndrome. Also called: Breast and ovarian cancer; Hereditary breast and ovarian cancer; Hereditary breast and ovarian cancer syndrome; Hereditary breast and ovarian cancer syndrome (HBOC); BRCA1- and BRCA2-Associated Hereditary Breast and Ovarian Cancer; Hereditary breast and/or ovarian cancer syndrome. Identifiers: Orphanet 145, MedGen C0677776, MeSH D061325, MONDO:0003582. Disease mechanism: loss of function.

gnomAD v4.1: 1 of 1,613,714 alleles (0.000062%); highest among the groups gnomAD compares: East Asian, 0.0022%; no homozygotes.

Submissions (3):

Labcorp Genetics (formerly Invitae), Labcorp
Classification: Uncertain significance for Hereditary breast ovarian cancer syndrome. Last evaluated: 2025-02-24. Review status: criteria provided, single submitter. Criteria: Invitae Variant Classification Sherloc (09022015). Collection method: clinical testing. Allele origin: germline.
Comment: This sequence change replaces methionine, which is neutral and non-polar, with leucine, which is neutral and non-polar, at codon 990 of the BRCA2 protein (p.Met990Leu). This variant is not present in population databases (gnomAD no frequency). This variant has not been reported in the literature in individuals affected with BRCA2-related conditions. ClinVar contains an entry for this variant (Variation ID: 1474914). Invitae Evidence Modeling of protein sequence and biophysical properties (such as structural, functional, and spatial information, amino acid conservation, physicochemical variation, residue mobility, and thermodynamic stability) indicates that this missense variant is not expected to disrupt BRCA2 protein function with a negative predictive value of 95%. In summary, the available evidence is currently insufficient to determine the role of this variant in disease. Therefore, it has been classified as a Variant of Uncertain Significance.

Ambry Genetics
Classification: Likely benign for Hereditary cancer-predisposing syndrome. Last evaluated: 2024-08-01. Review status: criteria provided, single submitter. Criteria: Ambry Variant Classification Scheme 2023. Collection method: clinical testing. Allele origin: germline.

University of Washington Department of Laboratory Medicine, University of Washington
Classification: Likely benign for Hereditary cancer-predisposing syndrome. Last evaluated: 2023-03-23. Review status: criteria provided, single submitter. Criteria: Dines et al. (Genet Med. 2020). Collection method: curation. Allele origin: germline.
Comment: Missense variant in a coldspot region where missense variants are very unlikely to be pathogenic (PMID:31911673).

BRCA2 exon 11 coldspot. Reclassification based on statistical prior probability.